The following is an entry in ClinVar:

NM_016356.5(DCDC2):c.1327-9T>C

Gene: DCDC2 (doublecortin domain containing 2; minus strand). Cytogenetic location: 6p22.3.
Variant type: single nucleotide variant.
Coding change: c.1327-9T>C on transcript NM_016356.5 (MANE Select); 9 bases into the intron before coding-DNA position 1327, T replaced by C.
Molecular consequence: intron variant.
Genome position (GRCh38, 1-based): chr6:24,174,843, A>G on the plus strand (T>C on the coding strand, the complement: DCDC2 is on the minus strand). VCF-style: chr6-24174843-A-G. GRCh37 (hg19) VCF-style: chr6-24175071-A-G.
Other names: c.1327-9T>C (NM_001195610.2).
Identifiers: ClinVar variation 3049099 (VCV003049099.4), dbSNP rs77929453, ClinGen allele CA3654445.
Genomic context (GRCh38, chr6:24,174,843, plus strand): 5'-GACTGGTAATTTTTACTTCTGGCCTTGGTGGTCTTTGAGGGTCTACATCAGCCTAGAAGA[A>G]AATAGATCAAAACAAAGGTATTCAGCTGTTTGGTTCACAAAGGTAATGACATTTATAAAG-3'

ClinVar aggregate classification (germline): Likely benign. Review status: criteria provided, single submitter (1 of 4 stars). 2 submissions from 2 submitters: Likely benign (1). 1 of the submissions does not count toward it. Last evaluated 2025-12-30.

Conditions:
DCDC2-related disorder. Also called: DCDC2-related condition.
Isolated neonatal sclerosing cholangitis (NSC). Also called: Sclerosing cholangitis, neonatal. Identifiers: Orphanet 480556, MedGen C4479344, MONDO:0018816, OMIM 617394.
Autosomal recessive nonsyndromic hearing loss 66 (DFNB66). Also called: Deafness, autosomal recessive 66. Identifiers: Orphanet 90636, MedGen C1857750, MONDO:0012442, OMIM 610212.

Allele frequency attached by ClinVar (database versions not stated): gnomAD 0.00002; ExAC 0.00001; TOPMed 0.00001; gnomAD exomes 0.00002.
gnomAD v4.1: 25 of 1,585,712 alleles (0.0016%); highest among the groups gnomAD compares: Middle Eastern, 0.017%; no homozygotes.

Submissions (2):

Labcorp Genetics (formerly Invitae), Labcorp
Classification: Likely benign for Autosomal recessive nonsyndromic hearing loss 66; Isolated neonatal sclerosing cholangitis. Last evaluated: 2025-12-30. Review status: criteria provided, single submitter. Criteria: Invitae Variant Classification Sherloc (09022015). Collection method: clinical testing. Allele origin: germline.

PreventionGenetics, part of Exact Sciences
Classification: Likely benign for DCDC2-related condition. Last evaluated: 2021-03-05. Review status: no assertion criteria provided. Collection method: clinical testing. Allele origin: germline. Not counted in ClinVar's aggregate classification.
Comment: This variant is classified as likely benign based on ACMG/AMP sequence variant interpretation guidelines (Richards et al. 2015 PMID: 25741868, with internal and published modifications).